The following is an entry in ClinVar:

NM_003660.4(PPFIA3):c.3318C>A (p.Asn1106Lys)

Gene: PPFIA3 (PTPRF interacting protein alpha 3; plus strand). Cytogenetic location: 19q13.33.
Variant type: single nucleotide variant.
Coding change: c.3318C>A on transcript NM_003660.4 (MANE Select); coding-DNA position 3318, C replaced by A.
Protein change: p.Asn1106Lys; replaces asparagine 1106 with lysine.
Molecular consequence: missense variant. On other transcripts: non-coding transcript variant (1).
Genome position (GRCh38, 1-based): chr19:49,149,289, C>A. VCF-style: chr19-49149289-C-A. GRCh37 (hg19) VCF-style: chr19-49652546-C-A.
Other names: short protein forms N1106K.
Identifiers: ClinVar variation 3342517 (VCV003342517.1).

ClinVar aggregate classification (germline): Uncertain significance (1 of 4 stars; one submission).

gnomAD v4.1: 1 of 1,614,196 alleles (0.000062%); highest among the groups gnomAD compares: Admixed American, 0.0017%; no homozygotes.

Submission:

GeneDx
Classification: Uncertain significance. Last evaluated: 2022-05-12. Review status: criteria provided, single submitter. Criteria: GeneDx Variant Classification Process June 2021. Collection method: clinical testing. Allele origin: germline. Affected: yes.
Comment: Not observed at significant frequency in large population cohorts (gnomAD); In silico analysis supports that this missense variant has a deleterious effect on protein structure/function; Has not been previously published as pathogenic or benign to our knowledge; Variants in candidate genes are classified as variants of uncertain significance in accordance with ACMG guidelines (Richards et al., 2015)